The following is an entry in ClinVar:

ClinVar aggregate classification (germline): Likely benign (1 of 4 stars; one submission).

Allele frequency attached by ClinVar (database versions not stated): ExAC 0.00003; TOPMed 0.00006; gnomAD 0.00009.
gnomAD v4.1: 69 of 1,614,034 alleles (0.0043%); highest among the groups gnomAD compares: African/African-American, 0.0053%; no homozygotes.

Submission:

CeGaT Center for Human Genetics Tuebingen
Classification: Likely benign. Last evaluated: 2024-05-01. Review status: criteria provided, single submitter. Criteria: CeGaT Center For Human Genetics Tuebingen Variant Classification Criteria Version 2. Collection method: clinical testing. Allele origin: germline. Affected: yes. Observed: 1 variant allele.
Comment: FAT2: BP4

NM_001447.3(FAT2):c.455C>T (p.Ser152Leu)

Gene: FAT2 (FAT atypical cadherin 2; minus strand). Cytogenetic location: 5q33.1.
Variant type: single nucleotide variant.
Coding change: c.455C>T on transcript NM_001447.3 (MANE Select); coding-DNA position 455, C replaced by T.
Protein change: p.Ser152Leu; replaces serine 152 with leucine.
Molecular consequence: missense variant.
Genome position (GRCh38, 1-based): chr5:151,568,477, G>A on the plus strand (C>T on the coding strand, the complement: FAT2 is on the minus strand). VCF-style: chr5-151568477-G-A. GRCh37 (hg19) VCF-style: chr5-150948038-G-A.
Other names: short protein forms S152L.
Identifiers: ClinVar variation 3239055 (VCV003239055.19), dbSNP rs780802388.